The following is an entry in ClinVar:

ClinVar aggregate classification (germline): Uncertain significance. Review status: criteria provided, single submitter (1 of 4 stars). 2 submissions from 2 submitters: Uncertain significance (1). 1 of the submissions does not count toward it. Last evaluated 2024-03-13.

Conditions:
Malignant tumor of breast. Also called: Malignant breast neoplasm; Cancer breast. Identifiers: MedGen C0006142, MONDO:0007254. Disease mechanism: loss of function.

Submissions (2):

Women's Health and Genetics/Laboratory Corporation of America, LabCorp
Classification: Uncertain significance. Last evaluated: 2024-03-13. Review status: criteria provided, single submitter. Criteria: LabCorp Variant Classification Summary - May 2015. Collection method: clinical testing. Allele origin: germline.

Department of Pathology and Laboratory Medicine, Sinai Health System
Classification: Uncertain significance for Malignant tumor of breast. Review status: no assertion criteria provided. Collection method: clinical testing. Allele origin: unknown. Affected: yes. Observed: 1 variant allele. Study: The Canadian Open Genetics Repository (COGR). Not counted in ClinVar's aggregate classification.
Comment: The FANCC p.Ser233Pro variant was not identified in the literature nor was it identified in the dbSNP, ClinVar, Cosmic, MutDB, LOVD 3.0, the 1000 Genomes Project, the NHLBI GO Exome Sequencing Project, the Exome Aggregation Consortium (August 8th 2016), or the Genome Aggregation Database (Feb 27, 2017). The p.Ser233 residue is not conserved in mammals and computational analyses (PolyPhen-2, SIFT, AlignGVGD, BLOSUM, MutationTaster) provide inconsistent predictions regarding the impact to the protein; this information is not very predictive of pathogenicity. The variant occurs outside of the splicing consensus sequence and in silico or computational prediction software programs (SpliceSiteFinder, MaxEntScan, NNSPLICE, GeneSplicer) do not predict a difference in splicing. In summary, based on the above information the clinical significance of this variant cannot be determined with certainty at this time. This variant is classified as a variant of uncertain significance.

NM_000136.3(FANCC):c.697T>C (p.Ser233Pro)

Genes: AOPEP (aminopeptidase O (putative); plus strand), FANCC (FA complementation group C; minus strand). Cytogenetic location: 9q22.32.
Variant type: single nucleotide variant.
Coding change: c.697T>C on transcript NM_000136.3 (MANE Select); coding-DNA position 697, T replaced by C.
Protein change: p.Ser233Pro; replaces serine 233 with proline.
Molecular consequence: missense variant.
Genome position (GRCh38, 1-based): chr9:95,135,492, A>G on the plus strand (T>C on the coding strand, the complement: FANCC is on the minus strand). VCF-style: chr9-95135492-A-G. GRCh37 (hg19) VCF-style: chr9-97897774-A-G.
Other names: c.697T>C, p.Ser233Pro (NM_001243743.2, NM_001243744.2); short protein forms S233P.
Identifiers: ClinVar variation 1049355 (VCV001049355.4), dbSNP rs1827537931, ClinGen allele CA374109473.
Genomic context (GRCh38, chr9:95,135,492, plus strand): 5'-CTTTTTCAAGGCTGGGAAGGTGCCGAAGCCAGAGGCAGACTACAGCTGACATGGGGAGAG[A>G]AATCTTCTTCCTTTCAGAAAGAAATAAACAAAATTTTAAACAGAAATGGCTCACTGAAAA-3'
Protein context (NP_000127.2, residues 223-243): VNEAILLKKI[Ser233Pro]LPMSAVVCLW